The following is an entry in ClinVar:

ClinVar aggregate classification (germline): Uncertain significance (1 of 4 stars; one submission).

Conditions:
Drash syndrome (DDS). Also called: NEPHROPATHY, WILMS TUMOR, AND GENITAL ANOMALIES; WILMS TUMOR AND PSEUDO- OR TRUE HERMAPHRODITISM. Identifiers: Orphanet 220, MedGen C0950121, MONDO:0008682, OMIM 194080.
Wilms tumor 1 (WT1). Also called: Wilms tumor, somatic. Identifiers: Orphanet 654, MedGen CN033288, MONDO:0008679, OMIM 194070.
11p partial monosomy syndrome (WAGR). Also called: CHROMOSOME 11p13 DELETION SYNDROME; WAGR syndrome; WAGR Complex; WAGR Spectrum Disorder. Identifiers: Orphanet 893, MedGen C0206115, MONDO:0008681, OMIM 194072.
Frasier syndrome. Identifiers: Orphanet 347, MedGen C0950122, MeSH D052159, MONDO:0007635, OMIM 136680.

Submission:

Labcorp Genetics (formerly Invitae), Labcorp
Classification: Uncertain significance for Wilms tumor 1; Drash syndrome; 11p partial monosomy syndrome; Frasier syndrome. Last evaluated: 2023-06-02. Review status: criteria provided, single submitter. Criteria: Invitae Variant Classification Sherloc (09022015). Collection method: clinical testing. Allele origin: germline.
Comment: This sequence change replaces phenylalanine, which is neutral and non-polar, with serine, which is neutral and polar, at codon 108 of the WT1 protein (p.Phe108Ser). This variant is not present in population databases (gnomAD no frequency). This variant has not been reported in the literature in individuals affected with WT1-related conditions. An algorithm developed to predict the effect of missense changes on protein structure and function (PolyPhen-2) suggests that this variant is likely to be tolerated. In summary, the available evidence is currently insufficient to determine the role of this variant in disease. Therefore, it has been classified as a Variant of Uncertain Significance.

NM_024426.6(WT1):c.338T>C (p.Phe113Ser)

Genes: WT1 (WT1 transcription factor; minus strand), LOC107982234 (WT1/WT1-AS bi-directional promoter region; plus strand). Cytogenetic location: 11p13.
Variant type: single nucleotide variant.
Coding change: c.338T>C on transcript NM_024426.6 (MANE Select); coding-DNA position 338, T replaced by C.
Protein change: p.Phe113Ser; replaces phenylalanine 113 with serine.
Molecular consequence: missense variant. On other transcripts: non-coding transcript variant (2).
Genome position (GRCh38, 1-based): chr11:32,435,023, A>G on the plus strand (T>C on the coding strand, the complement: WT1 is on the minus strand). VCF-style: chr11-32435023-A-G. GRCh37 (hg19) VCF-style: chr11-32456569-A-G.
Other names: c.338T>C, p.Phe113Ser (NM_000378.6, NM_001407044.1, NM_001407045.1 and 6 more transcripts); c.323T>C, p.Phe108Ser (NM_024425.2); short protein forms F108S, F113S.
Identifiers: ClinVar variation 2948439 (VCV002948439.3), dbSNP rs2494482847, ClinGen allele CA379965895.